The following is an entry in ClinVar:

ClinVar aggregate classification (germline): Conflicting classifications of pathogenicity. Review status: criteria provided, conflicting classifications (1 of 4 stars). 3 submissions from 3 submitters: Uncertain significance (2); Likely benign (1). Last evaluated 2026-01-09.

Conditions:
Exostoses, multiple, type 2 (EXT2). Also called: Hereditary Multiple Osteochondromatosis, Type II; EXOSTOSES, MULTIPLE, TYPE II. Identifiers: Orphanet 321, MedGen C1851413, MONDO:0007586, OMIM 133701.

Allele frequency attached by ClinVar (database versions not stated): gnomAD exomes 0.00006; ExAC 0.00008; TOPMed 0.00009; 1000 Genomes Project 0.00020; 1000 Genomes Project 30x 0.00031.
gnomAD v4.1: 50 of 1,613,094 alleles (0.0031%); highest among the groups gnomAD compares: South Asian, 0.031%; no homozygotes.

Submissions (3):

Labcorp Genetics (formerly Invitae), Labcorp
Classification: Likely benign for Exostoses, multiple, type 2. Last evaluated: 2026-01-09. Review status: criteria provided, single submitter. Criteria: Invitae Variant Classification Sherloc (09022015). Collection method: clinical testing. Allele origin: germline.

CeGaT Center for Human Genetics Tuebingen
Classification: Uncertain significance. Last evaluated: 2025-07-01. Review status: criteria provided, single submitter. Criteria: CeGaT Center For Human Genetics Tuebingen Variant Classification Criteria Version 2. Collection method: clinical testing. Allele origin: germline. Affected: yes. Observed: 1 variant allele.
Comment: EXT2: PS4:Supporting

Breakthrough Genomics
Classification: Uncertain significance. Review status: criteria provided, single submitter. Criteria: ACMG Guidelines, 2015. Collection method: not provided. Allele origin: germline. Inheritance: Autosomal recessive inheritance. Affected: yes.

NM_207122.2(EXT2):c.919G>A (p.Asp307Asn)

Gene: EXT2 (exostosin glycosyltransferase 2; plus strand). Cytogenetic location: 11p11.2.
Variant type: single nucleotide variant.
Coding change: c.919G>A on transcript NM_207122.2 (MANE Select); coding-DNA position 919, G replaced by A.
Protein change: p.Asp307Asn; replaces aspartic acid 307 with asparagine.
Molecular consequence: missense variant.
Genome position (GRCh38, 1-based): chr11:44,124,964, G>A. VCF-style: chr11-44124964-G-A. GRCh37 (hg19) VCF-style: chr11-44146514-G-A.
Other names: c.1018G>A, p.Asp340Asn (NM_000401.3); c.919G>A, p.Asp307Asn (NM_001178083.3, NM_001389628.1, NM_001389630.1); short protein forms D307N, D340N.
Identifiers: ClinVar variation 943564 (VCV000943564.16), dbSNP rs200631641, ClinGen allele CA5955031.